The following is an entry in ClinVar:

NM_020937.4(FANCM):c.3367C>T (p.Leu1123Phe)

Gene: FANCM (FA complementation group M; plus strand). Cytogenetic location: 14q21.2.
Variant type: single nucleotide variant.
Coding change: c.3367C>T on transcript NM_020937.4 (MANE Select); coding-DNA position 3367, C replaced by T.
Protein change: p.Leu1123Phe; replaces leucine 1123 with phenylalanine.
Molecular consequence: missense variant.
Genome position (GRCh38, 1-based): chr14:45,176,121, C>T. VCF-style: chr14-45176121-C-T. GRCh37 (hg19) VCF-style: chr14-45645324-C-T.
Other names: c.3289C>T, p.Leu1097Phe (NM_001308133.2); c.3367C>T (NM_020937.2); short protein forms L1097F, L1123F.
Identifiers: ClinVar variation 1466386 (VCV001466386.9), dbSNP rs1888672087, ClinGen allele CA389601235.

ClinVar aggregate classification (germline): Uncertain significance. Review status: criteria provided, multiple submitters, no conflicts (2 of 4 stars). 2 submissions from 2 submitters: Uncertain significance (2). Last evaluated 2025-02-27.

Conditions:
Inborn genetic diseases. Identifiers: MedGen C0950123, MeSH D030342.
Fanconi anemia (FA). Also called: Fanconi's anemia. Identifiers: Orphanet 84, MedGen C0015625, MeSH D005199, MONDO:0019391.

Submissions (2):

Ambry Genetics
Classification: Uncertain significance for Inborn genetic diseases. Last evaluated: 2025-02-27. Review status: criteria provided, single submitter. Criteria: Ambry Variant Classification Scheme 2023. Collection method: clinical testing. Allele origin: germline.
Comment: The p.L1123F variant (also known as c.3367C>T), located in coding exon 14 of the FANCM gene, results from a C to T substitution at nucleotide position 3367. The leucine at codon 1123 is replaced by phenylalanine, an amino acid with highly similar properties. This amino acid position is conserved. In addition, this alteration is predicted to be tolerated by in silico analysis. Based on the available evidence, the clinical significance of this variant remains unclear.

Labcorp Genetics (formerly Invitae), Labcorp
Classification: Uncertain significance for Fanconi anemia. Last evaluated: 2021-04-12. Review status: criteria provided, single submitter. Criteria: Invitae Variant Classification Sherloc (09022015). Collection method: clinical testing. Allele origin: germline.
Comment: In summary, the available evidence is currently insufficient to determine the role of this variant in disease. Therefore, it has been classified as a Variant of Uncertain Significance. Algorithms developed to predict the effect of missense changes on protein structure and function output the following: SIFT: "Tolerated"; PolyPhen-2: "Benign"; Align-GVGD: "Class C0". The phenylalanine amino acid residue is found in multiple mammalian species, suggesting that this missense change does not adversely affect protein function. These predictions have not been confirmed by published functional studies and their clinical significance is uncertain. This variant has not been reported in the literature in individuals with FANCM-related conditions. This variant is not present in population databases (ExAC no frequency). This sequence change replaces leucine with phenylalanine at codon 1123 of the FANCM protein (p.Leu1123Phe). The leucine residue is weakly conserved and there is a small physicochemical difference between leucine and phenylalanine.